The following is an entry in ClinVar:

NM_021098.3(CACNA1H):c.5686G>A (p.Ala1896Thr)

Gene: CACNA1H (calcium voltage-gated channel subunit alpha1 H; plus strand). Cytogenetic location: 16p13.3.
Variant type: single nucleotide variant.
Coding change: c.5686G>A on transcript NM_021098.3 (MANE Select); coding-DNA position 5686, G replaced by A.
Protein change: p.Ala1896Thr; replaces alanine 1896 with threonine.
Molecular consequence: missense variant.
Genome position (GRCh38, 1-based): chr16:1,218,450, G>A. VCF-style: chr16-1218450-G-A. GRCh37 (hg19) VCF-style: chr16-1268450-G-A.
Other names: c.5668G>A, p.Ala1890Thr (NM_001005407.2); c.5686G>A (NM_021098.2); short protein forms A1890T, A1896T.
Identifiers: ClinVar variation 1005476 (VCV001005476.9), dbSNP rs1324632906, ClinGen allele CA394147691.
Genomic context (GRCh38, chr16:1,218,450, plus strand): 5'-CTGGACGCCGAGATCGAGCTGGAGATGGCGCAGGGCCCCGGGAGTGCACGCCGGGTGGAC[G>A]CGGACAGGCCTCCCTTGCCCCAGGAGAGTCCGGGCGCCAGGGACGCCCCAAACCTGGTTG-3'
Protein context (NP_066921.2, residues 1886-1906): QGPGSARRVD[Ala1896Thr]DRPPLPQESP

ClinVar aggregate classification (germline): Uncertain significance. Review status: criteria provided, multiple submitters, no conflicts (2 of 4 stars). 2 submissions from 2 submitters: Uncertain significance (2). Last evaluated 2024-04-08.

Conditions:
Idiopathic generalized epilepsy. Also called: Generalised epilepsy; EIG. Identifiers: MedGen C0270850, MONDO:0005579, OMIM 600669.
Hyperaldosteronism, familial, type IV (HALD4). Also called: FH IV; ALDOSTERONISM, PRIMARY, AND HYPERTENSION. Identifiers: Orphanet 642671, MedGen C4310756, MONDO:0014875, OMIM 617027.
Inborn genetic diseases. Identifiers: MedGen C0950123, MeSH D030342.

Allele frequency attached by ClinVar (database versions not stated): gnomAD exomes 0.00001.
gnomAD v4.1: 10 of 1,551,844 alleles (0.00064%); highest among the groups gnomAD compares: Non-Finnish European, 0.00061%; no homozygotes.

Submissions (2):

Ambry Genetics
Classification: Uncertain significance for Inborn genetic diseases. Last evaluated: 2024-04-08. Review status: criteria provided, single submitter. Criteria: Ambry Variant Classification Scheme 2023. Collection method: clinical testing. Allele origin: germline.

Labcorp Genetics (formerly Invitae), Labcorp
Classification: Uncertain significance for Idiopathic generalized epilepsy; Hyperaldosteronism, familial, type IV. Last evaluated: 2021-02-01. Review status: criteria provided, single submitter. Criteria: Invitae Variant Classification Sherloc (09022015). Collection method: clinical testing. Allele origin: germline.
Comment: This variant has not been reported in the literature in individuals with CACNA1H-related conditions. This variant is not present in population databases (ExAC no frequency). This sequence change replaces alanine with threonine at codon 1896 of the CACNA1H protein (p.Ala1896Thr). The alanine residue is moderately conserved and there is a small physicochemical difference between alanine and threonine. In summary, the available evidence is currently insufficient to determine the role of this variant in disease. Therefore, it has been classified as a Variant of Uncertain Significance. Algorithms developed to predict the effect of missense changes on protein structure and function are either unavailable or do not agree on the potential impact of this missense change (SIFT: "Deleterious"; PolyPhen-2: "Benign"; Align-GVGD: "Class C0").